The following is an entry in ClinVar:

NM_004525.3(LRP2):c.7906C>T (p.Gln2636Ter)

Gene: LRP2 (LDL receptor related protein 2; minus strand). Cytogenetic location: 2q31.1.
Variant type: single nucleotide variant.
Coding change: c.7906C>T on transcript NM_004525.3 (MANE Select); coding-DNA position 7906, C replaced by T.
Protein change: p.Gln2636Ter; replaces glutamine 2636 with a stop codon.
Molecular consequence: nonsense.
Genome position (GRCh38, 1-based): chr2:169,204,081, G>A on the plus strand (C>T on the coding strand, the complement: LRP2 is on the minus strand). VCF-style: chr2-169204081-G-A. GRCh37 (hg19) VCF-style: chr2-170060591-G-A.
Other names: short protein forms Q2636*.
Identifiers: ClinVar variation 5016052 (VCV005016052.1).

ClinVar aggregate classification (germline): Pathogenic (1 of 4 stars; one submission).

Conditions:
Donnai-Barrow syndrome. Also called: DBS/FOAR SYNDROME; FACIOOCULOACOUSTICORENAL SYNDROME. Identifiers: Orphanet 2143, MedGen C1857277, MONDO:0009104, OMIM 222448.

Submission:

Myriad Genetics, Inc.
Classification: Pathogenic for Donnai-Barrow syndrome. Last evaluated: 2026-06-18. Review status: criteria provided, single submitter. Criteria: Myriad Autosomal Dominant, Autosomal Recessive and X-Linked Classification Criteria (2023). Collection method: clinical testing. Allele origin: unknown.
Comment: NM_004525.2(LRP2):c.7906C>T(Q2636*) is expected to be pathogenic in the context of Donnai-Barrow syndrome. This variant is predicted to lead to an abnormal or absent protein product due to the creation of a premature termination codon in LRP2, a gene where loss-of-function variants are known to be pathogenic. Please note: this variant was assessed in the context of healthy population screening.